The following is an entry in ClinVar:

ClinVar aggregate classification (germline): Uncertain significance (1 of 4 stars; one submission).

Conditions:
Early-infantile DEE. Also called: Ohtahara syndrome; Early infantile epileptic encephalopathy with suppression bursts; Early infantile epileptic encephalopathy. Identifiers: Orphanet 1934, MedGen C0393706, MONDO:0800491.

Submission:

Labcorp Genetics (formerly Invitae), Labcorp
Classification: Uncertain significance for Early-infantile DEE. Last evaluated: 2023-04-22. Review status: criteria provided, single submitter. Criteria: Invitae Variant Classification Sherloc (09022015). Collection method: clinical testing. Allele origin: germline.
Comment: This variant has not been reported in the literature in individuals affected with KCNQ2-related conditions. Advanced modeling of protein sequence and biophysical properties (such as structural, functional, and spatial information, amino acid conservation, physicochemical variation, residue mobility, and thermodynamic stability) performed at Invitae indicates that this missense variant is expected to disrupt KCNQ2 protein function. Algorithms developed to predict the effect of sequence changes on RNA splicing suggest that this variant may disrupt the consensus splice site. In summary, the available evidence is currently insufficient to determine the role of this variant in disease. Therefore, it has been classified as a Variant of Uncertain Significance. This variant is not present in population databases (gnomAD no frequency). This sequence change replaces glycine, which is neutral and non-polar, with arginine, which is basic and polar, at codon 156 of the KCNQ2 protein (p.Gly156Arg).

NM_172107.4(KCNQ2):c.466G>C (p.Gly156Arg)

Gene: KCNQ2 (potassium voltage-gated channel subfamily Q member 2; minus strand). Cytogenetic location: 20q13.33.
Variant type: single nucleotide variant.
Coding change: c.466G>C on transcript NM_172107.4 (MANE Select); coding-DNA position 466, G replaced by C.
Protein change: p.Gly156Arg; replaces glycine 156 with arginine.
Molecular consequence: missense variant.
Genome position (GRCh38, 1-based): chr20:63,445,286, C>G on the plus strand (G>C on the coding strand, the complement: KCNQ2 is on the minus strand). VCF-style: chr20-63445286-C-G. GRCh37 (hg19) VCF-style: chr20-62076639-C-G.
Other names: c.466G>C, p.Gly156Arg (NM_001382235.1, NM_172106.3, NM_172108.5 and 2 more transcripts); short protein forms G156R.
Identifiers: ClinVar variation 2858094 (VCV002858094.3), dbSNP rs2145779171, ClinGen allele CA409655270.